The following is an entry in ClinVar:

NM_001283009.2(RTEL1):c.2803C>G (p.Leu935Val)

Genes: RTEL1 (regulator of telomere elongation helicase 1; plus strand), RTEL1-TNFRSF6B (RTEL1-TNFRSF6B readthrough (NMD candidate); plus strand). Cytogenetic location: 20q13.33.
Variant type: single nucleotide variant.
Coding change: c.2803C>G on transcript NM_001283009.2 (MANE Select); coding-DNA position 2803, C replaced by G.
Protein change: p.Leu935Val; replaces leucine 935 with valine.
Molecular consequence: missense variant. On other transcripts: non-coding transcript variant (1).
Genome position (GRCh38, 1-based): chr20:63,692,955, C>G. VCF-style: chr20-63692955-C-G. GRCh37 (hg19) VCF-style: chr20-62324308-C-G.
Other names: c.2134C>G, p.Leu712Val (NM_001283010.1); c.2803C>G, p.Leu935Val (NM_016434.4); c.2875C>G, p.Leu959Val (NM_032957.5); short protein forms L712V, L959V, L935V.
Identifiers: ClinVar variation 3791207 (VCV003791207.1).

ClinVar aggregate classification (germline): Uncertain significance (1 of 4 stars; one submission).

Conditions:
Inborn genetic diseases. Identifiers: MedGen C0950123, MeSH D030342.

Submission:

Ambry Genetics
Classification: Uncertain significance for Inborn genetic diseases. Last evaluated: 2025-03-07. Review status: criteria provided, single submitter. Criteria: Ambry Variant Classification Scheme 2023. Collection method: clinical testing. Allele origin: germline.
Comment: The p.L935V variant (also known as c.2803C>G), located in coding exon 28 of the RTEL1 gene, results from a C to G substitution at nucleotide position 2803. The leucine at codon 935 is replaced by valine, an amino acid with highly similar properties. This amino acid position is conserved. In addition, this alteration is predicted to be tolerated by in silico analysis. Based on the available evidence, the clinical significance of this variant remains unclear.